The following is an entry in ClinVar:

ClinVar aggregate classification (germline): Uncertain significance. Review status: criteria provided, multiple submitters, no conflicts (2 of 4 stars). 2 submissions from 2 submitters: Uncertain significance (2). Last evaluated 2026-07-16.

Conditions:
BBS10-related disorder. Also called: BBS10-related condition.
Bardet-Biedl syndrome 10 (BBS10). Identifiers: Orphanet 110, MedGen C1859568, MONDO:0014438, OMIM 615987.

Submissions (2):

PreventionGenetics, part of Exact Sciences
Classification: Uncertain significance for BBS10-related condition. Last evaluated: 2026-07-16. Review status: criteria provided, single submitter. Criteria: ACMG Guidelines, 2015. Collection method: clinical testing. Allele origin: germline.
Comment: The BBS10 c.1694C>A variant is predicted to result in the amino acid substitution p.Thr565Lys. To our knowledge, this variant has not been reported in the literature. This variant is reported in 0.0018% of alleles in individuals of European (Non-Finnish) descent in gnomAD. At this time, the clinical significance of this variant is uncertain due to the absence of conclusive functional and genetic evidence.

Fulgent Genetics
Classification: Uncertain significance for Bardet-Biedl syndrome 10. Last evaluated: 2024-06-12. Review status: criteria provided, single submitter. Criteria: ACMG Guidelines, 2015. Collection method: clinical testing. Allele origin: germline.

NM_024685.4(BBS10):c.1694C>A (p.Thr565Lys)

Gene: BBS10 (Bardet-Biedl syndrome 10; minus strand). Cytogenetic location: 12q21.2.
Variant type: single nucleotide variant.
Coding change: c.1694C>A on transcript NM_024685.4 (MANE Select); coding-DNA position 1694, C replaced by A.
Protein change: p.Thr565Lys; replaces threonine 565 with lysine.
Molecular consequence: missense variant.
Genome position (GRCh38, 1-based): chr12:76,346,291, G>T on the plus strand (C>A on the coding strand, the complement: BBS10 is on the minus strand). VCF-style: chr12-76346291-G-T. GRCh37 (hg19) VCF-style: chr12-76740071-G-T.
Other names: c.1694C>A (NM_024685.3); short protein forms T565K.
Identifiers: ClinVar variation 3575277 (VCV003575277.2).